The following is an entry in ClinVar:

NM_052947.4(ALPK2):c.982G>A (p.Glu328Lys)

Genes: ALPK2 (alpha kinase 2; minus strand), LOC114803473 (ALPK2 eExon liver enhancer; plus strand). Cytogenetic location: 18q21.31.
Variant type: single nucleotide variant.
Coding change: c.982G>A on transcript NM_052947.4 (MANE Select); coding-DNA position 982, G replaced by A.
Protein change: p.Glu328Lys; replaces glutamic acid 328 with lysine.
Molecular consequence: missense variant.
Genome position (GRCh38, 1-based): chr18:58,579,794, C>T on the plus strand (G>A on the coding strand, the complement: ALPK2 is on the minus strand). VCF-style: chr18-58579794-C-T. GRCh37 (hg19) VCF-style: chr18-56247026-C-T.
Other names: short protein forms E328K.
Identifiers: ClinVar variation 3228877 (VCV003228877.1), dbSNP rs1360783712, ClinGen allele CA402565244.
Genomic context (GRCh38, chr18:58,579,794, plus strand): 5'-GGTTCCTTTGCCAAACTGCATTAGAGTAATCCGTCATAACATCAGAACATTCCAGATACT[C>T]CAGGTCATCATCTGAAAACTCCTCGGTGTAGGTTAGGGTTATCTCTGGGCAAAGTTCATA-3'
Protein context (NP_443179.3, residues 318-338): YTEEFSDDDL[Glu328Lys]YLECSDVMTD

ClinVar aggregate classification (germline): Uncertain significance (1 of 4 stars; one submission).

gnomAD v4.1: 2 of 1,614,210 alleles (0.00012%); highest among the groups gnomAD compares: Non-Finnish European, 0.00017%; no homozygotes.

Submission:

Ambry Genetics
Classification: Uncertain significance. Last evaluated: 2023-12-23. Review status: criteria provided, single submitter. Criteria: Ambry Variant Classification Scheme 2023. Collection method: clinical testing. Allele origin: germline.
Comment: The p.E328K variant (also known as c.982G>A), located in coding exon 3 of the ALPK2 gene, results from a G to A substitution at nucleotide position 982. The glutamic acid at codon 328 is replaced by lysine, an amino acid with similar properties. This amino acid position is conserved. In addition, the in silico prediction for this alteration is inconclusive. Since supporting evidence is limited at this time, the clinical significance of this alteration remains unclear.